The following is an entry in ClinVar:

ClinVar aggregate classification (germline): Pathogenic (1 of 4 stars; one submission).

Conditions:
Primary ciliary dyskinesia. Also called: Ciliary dyskinesia. Identifiers: Orphanet 244, MedGen C0008780, MONDO:0016575, HP:0012265.

Submission:

Labcorp Genetics (formerly Invitae), Labcorp
Classification: Pathogenic for Primary ciliary dyskinesia. Last evaluated: 2025-05-04. Review status: criteria provided, single submitter. Criteria: Invitae Variant Classification Sherloc (09022015). Collection method: clinical testing. Allele origin: germline.
Comment: This sequence change creates a premature translational stop signal (p.Leu2811Profs*15) in the DNAH11 gene. It is expected to result in an absent or disrupted protein product. Loss-of-function variants in DNAH11 are known to be pathogenic (PMID: 18022865, 20513915, 22184204). This variant is not present in population databases (gnomAD no frequency). This variant has not been reported in the literature in individuals affected with DNAH11-related conditions. For these reasons, this variant has been classified as Pathogenic.

Literature cited by the submitters: PubMed 18022865; PubMed 20513915; PubMed 22184204.

NM_001277115.2(DNAH11):c.8431_8432insCCAGAAGTGTCTTTACACTTTACAGAACT (p.Leu2811fs)

Gene: DNAH11 (dynein axonemal heavy chain 11; plus strand). Cytogenetic location: 7p15.3.
Variant type: Insertion.
Coding change: c.8431_8432insCCAGAAGTGTCTTTACACTTTACAGAACT on transcript NM_001277115.2 (MANE Select); coding-DNA positions 8431 to 8432, CCAGAAGTGTCTTTACACTTTACAGAACT inserted.
Protein change: p.Leu2811fs; shifts the reading frame from leucine 2811.
Molecular consequence: frameshift variant.
Genome position: GRCh38 VCF-style: chr7-21744984-C-CCCAGAAGTGTCTTTACACTTTACAGAACT. GRCh37 (hg19) VCF-style: chr7-21784602-C-CCCAGAAGTGTCTTTACACTTTACAGAACT.
Other names: short protein forms L2811fs.
Identifiers: ClinVar variation 4806639 (VCV004806639.1).